The following is an entry in ClinVar:

NM_002471.4(MYH6):c.4941C>G (p.Ser1647Arg)

Genes: MYH6 (myosin heavy chain 6; minus strand), LOC126861896 (BRD4-independent group 4 enhancer GRCh37_chr14:23854904-23856103; plus strand). Cytogenetic location: 14q11.2.
Variant type: single nucleotide variant.
Coding change: c.4941C>G on transcript NM_002471.4 (MANE Select); coding-DNA position 4941, C replaced by G.
Protein change: p.Ser1647Arg; replaces serine 1647 with arginine.
Molecular consequence: missense variant.
Genome position (GRCh38, 1-based): chr14:23,386,333, G>C on the plus strand (C>G on the coding strand, the complement: MYH6 is on the minus strand). VCF-style: chr14-23386333-G-C. GRCh37 (hg19) VCF-style: chr14-23855542-G-C.
Other names: short protein forms S1647R.
Identifiers: ClinVar variation 1441628 (VCV001441628.6), dbSNP rs2138584877, ClinGen allele CA388990955.

ClinVar aggregate classification (germline): Uncertain significance (1 of 4 stars; one submission).

Conditions:
Hypertrophic cardiomyopathy 14. Identifiers: MedGen C2750467, MONDO:0013197, OMIM 613251.

Allele frequency attached by ClinVar (database versions not stated): gnomAD exomes below 0.00001.
gnomAD v4.1: 1 of 1,614,120 alleles (0.000062%); highest among the groups gnomAD compares: Non-Finnish European, 0.000085%; no homozygotes.

Submission:

Labcorp Genetics (formerly Invitae), Labcorp
Classification: Uncertain significance for Hypertrophic cardiomyopathy 14. Last evaluated: 2021-11-30. Review status: criteria provided, single submitter. Criteria: Invitae Variant Classification Sherloc (09022015). Collection method: clinical testing. Allele origin: germline.
Comment: This sequence change replaces serine, which is neutral and polar, with arginine, which is basic and polar, at codon 1647 of the MYH6 protein (p.Ser1647Arg). This variant is not present in population databases (gnomAD no frequency). This variant has not been reported in the literature in individuals affected with MYH6-related conditions. Algorithms developed to predict the effect of missense changes on protein structure and function (SIFT, PolyPhen-2, Align-GVGD) all suggest that this variant is likely to be tolerated. In summary, the available evidence is currently insufficient to determine the role of this variant in disease. Therefore, it has been classified as a Variant of Uncertain Significance.